The following is an entry in ClinVar:

ClinVar aggregate classification (germline): Uncertain significance (1 of 4 stars; one submission).

gnomAD v4.1: 30 of 1,613,686 alleles (0.0019%); highest among the groups gnomAD compares: Non-Finnish European, 0.0025%; no homozygotes.

Submission:

GeneDx
Classification: Uncertain significance. Last evaluated: 2025-05-16. Review status: criteria provided, single submitter. Criteria: GeneDx Variant Classification Process June 2021. Collection method: clinical testing. Allele origin: germline. Affected: yes.
Comment: Not observed at significant frequency in large population cohorts (gnomAD); In silico analysis supports that this missense variant has a deleterious effect on protein structure/function; Has not been previously published as pathogenic or benign to our knowledge

NM_016194.4(GNB5):c.1108G>C (p.Val370Leu)

Gene: GNB5 (G protein subunit beta 5; minus strand). Cytogenetic location: 15q21.2.
Variant type: single nucleotide variant.
Coding change: c.1108G>C on transcript NM_016194.4 (MANE Select); coding-DNA position 1108, G replaced by C.
Protein change: p.Val370Leu; replaces valine 370 with leucine.
Molecular consequence: missense variant.
Genome position (GRCh38, 1-based): chr15:52,124,541, C>G on the plus strand (G>C on the coding strand, the complement: GNB5 is on the minus strand). VCF-style: chr15-52124541-C-G. GRCh37 (hg19) VCF-style: chr15-52416738-C-G.
Other names: c.826G>C, p.Val276Leu (NM_001379343.1); c.982G>C, p.Val328Leu (NM_006578.4); short protein forms V276L, V328L, V370L.
Identifiers: ClinVar variation 4529623 (VCV004529623.1).